The following is an entry in ClinVar:

ClinVar aggregate classification (germline): Uncertain significance (1 of 4 stars; one submission).

Conditions:
Charcot-Marie-Tooth disease type 4. Also called: Charcot-Marie-Tooth disease, type IV; Charcot-Marie-Tooth, Type 4. Identifiers: Orphanet 64749, MedGen C4082197, MONDO:0018995.

Allele frequency attached by ClinVar (database versions not stated): TOPMed below 0.00001; ExAC 0.00002.
gnomAD v4.1: 4 of 1,614,008 alleles (0.00025%); highest among the groups gnomAD compares: Non-Finnish European, 0.00034%; no homozygotes.

Submission:

Labcorp Genetics (formerly Invitae), Labcorp
Classification: Uncertain significance for Charcot-Marie-Tooth disease type 4. Last evaluated: 2021-11-27. Review status: criteria provided, single submitter. Criteria: Invitae Variant Classification Sherloc (09022015). Collection method: clinical testing. Allele origin: germline.
Comment: This sequence change replaces arginine, which is basic and polar, with histidine, which is basic and polar, at codon 775 of the FIG4 protein (p.Arg775His). This variant is present in population databases (rs775280287, gnomAD 0.003%). This variant has not been reported in the literature in individuals affected with FIG4-related conditions. Algorithms developed to predict the effect of missense changes on protein structure and function are either unavailable or do not agree on the potential impact of this missense change (SIFT: "Deleterious"; PolyPhen-2: "Benign"; Align-GVGD: "Class C0"). In summary, the available evidence is currently insufficient to determine the role of this variant in disease. Therefore, it has been classified as a Variant of Uncertain Significance.

NM_014845.6(FIG4):c.2324G>A (p.Arg775His)

Gene: FIG4 (FIG4 phosphoinositide 5-phosphatase; plus strand). Cytogenetic location: 6q21.
Variant type: single nucleotide variant.
Coding change: c.2324G>A on transcript NM_014845.6 (MANE Select); coding-DNA position 2324, G replaced by A.
Protein change: p.Arg775His; replaces arginine 775 with histidine.
Molecular consequence: missense variant.
Genome position (GRCh38, 1-based): chr6:109,791,519, G>A. VCF-style: chr6-109791519-G-A. GRCh37 (hg19) VCF-style: chr6-110112722-G-A.
Other names: short protein forms R775H.
Identifiers: ClinVar variation 1376622 (VCV001376622.3), dbSNP rs775280287, ClinGen allele CA3956347.